The following is an entry in ClinVar:

ClinVar aggregate classification (germline): Uncertain significance. Review status: criteria provided, multiple submitters, no conflicts (2 of 4 stars). 3 submissions from 3 submitters: Uncertain significance (3). Last evaluated 2025-01-31.

Conditions:
Hereditary cancer-predisposing syndrome. Also called: Neoplastic Syndromes, Hereditary; Hereditary Cancer Syndrome; Tumor predisposition; Hereditary neoplastic syndrome. Identifiers: Orphanet 140162, MedGen C0027672, MeSH D009386, MONDO:0015356.

Submissions (3):

Ambry Genetics
Classification: Uncertain significance for Hereditary cancer-predisposing syndrome. Last evaluated: 2025-01-31. Review status: criteria provided, single submitter. Criteria: Ambry Variant Classification Scheme 2023. Collection method: clinical testing. Allele origin: germline.
Comment: The c.206_211delCCGAGA variant (also known as p.T69_E70del) is located in coding exon 3 of the POLE gene. This variant results from an in-frame CCGAGA deletion at nucleotide positions 206 to 211. This results in the in-frame deletion of a threonine and a glutamic acid at codons 69 and 70, respectively. This amino acid position is highly conserved in available vertebrate species. In addition, this alteration is predicted to be deleterious by in silico analysis (Choi Y et al. PLoS ONE. 2012; 7(10):e46688). Since supporting evidence is limited at this time, the clinical significance of this alteration remains unclear.

Labcorp Genetics (formerly Invitae), Labcorp
Classification: Uncertain significance. Last evaluated: 2024-07-10. Review status: criteria provided, single submitter. Criteria: Invitae Variant Classification Sherloc (09022015). Collection method: clinical testing. Allele origin: germline.
Comment: This variant, c.206_211del, results in the deletion of 2 amino acid(s) of the POLE protein (p.Thr69_Glu70del), but otherwise preserves the integrity of the reading frame. This variant is not present in population databases (gnomAD no frequency). This variant has not been reported in the literature in individuals affected with POLE-related conditions. ClinVar contains an entry for this variant (Variation ID: 484579). Experimental studies and prediction algorithms are not available or were not evaluated, and the functional significance of this variant is currently unknown. In summary, the available evidence is currently insufficient to determine the role of this variant in disease. Therefore, it has been classified as a Variant of Uncertain Significance.

GeneDx
Classification: Uncertain significance. Last evaluated: 2020-07-20. Review status: criteria provided, single submitter. Criteria: GeneDx Variant Classification Process June 2021. Collection method: clinical testing. Allele origin: germline. Affected: yes.
Comment: In-frame deletion of 2 amino acids in a non-repeat region; Not observed in large population cohorts (Lek 2016); In silico analysis supports a deleterious effect on protein structure/function; Has not been previously published as pathogenic or benign to our knowledge

NM_006231.3(POLE):c.206_211delCCGAGA

Gene: POLE (DNA polymerase epsilon, catalytic subunit; minus strand). Cytogenetic location: 12q24.33.
Variant type: Deletion.
Coding change: c.206_211delCCGAGA on transcript NM_006231.3; coding-DNA positions 206 to 211, 6 bases deleted (CCGAGA).
Genome position (GRCh38, 1-based): chr12:132,680,681-132,680,686, TCTCGG deleted on the plus strand (CCGAGA on the coding strand, the reverse complement: POLE is on the minus strand); deleting any 6 consecutive bases within chr12:132,680,681-132,680,689 gives the same sequence; the c. name uses the placement nearest the transcript's 3' end. VCF-style (leftmost placement, unchanged base first): chr12-132680680-ATCTCGG-A. GRCh37 (hg19) VCF-style: chr12-133257266-ATCTCGG-A.
Other names: c.206_211del (NM_006231.3, NM_006231.2).
Identifiers: ClinVar variation 484579 (VCV000484579.17), dbSNP rs1555230325, ClinGen allele CA658658231.
Genomic context (GRCh38, chr12:132,680,680, plus strand): 5'-CCGTCATCTTGAATAAAGTAGTAATCCACTGCACTGCCTAAGCGCTTATCTTCATCTAAA[ATCTCGG>A]TCTACAAGAGAATCAGTCAACACAGACACAAGACCATCCTCTACACAGTTAGAGAAACTT-3'